The following is an entry in ClinVar:

ClinVar aggregate classification (germline): Conflicting classifications of pathogenicity. Review status: criteria provided, conflicting classifications (1 of 4 stars). 12 submissions from 12 submitters: Uncertain significance (8); Likely benign (3). 1 of the submissions does not count toward it. Last evaluated 2026-05-29.

Conditions:
Fumarase deficiency (FMRD). Also called: Fumarate Hydratase Deficiency; Fumaric aciduria. Identifiers: Orphanet 24, MedGen C0342770, MONDO:0011730, OMIM 606812.
Hereditary cancer-predisposing syndrome. Also called: Tumor predisposition; Neoplastic Syndromes, Hereditary; Hereditary Cancer Syndrome; Hereditary neoplastic syndrome. Identifiers: Orphanet 140162, MedGen C0027672, MeSH D009386, MONDO:0015356.
FH-related disorder. Also called: FH-related condition; FH-related disorders.
Hereditary leiomyomatosis and renal cell cancer. Also called: Multiple cutaneous leiomyomas; LEIOMYOMA, MULTIPLE CUTANEOUS; MULTIPLE CUTANEOUS AND UTERINE LEIOMYOMATA 1, WITH OR WITHOUT RENAL CELL CARCINOMA; Reed syndrome; Multiple cutaneous and uterine leiomyomatosis; Cutaneous leiomyomata with uterine leiomyomata. Identifiers: Orphanet 523, MedGen C1708350, MONDO:0007888, OMIM 150800, HP:0007437. Disease mechanism: loss of function.

Allele frequency attached by ClinVar (database versions not stated): TOPMed 0.00020; gnomAD 0.00021 and 0.00022.
gnomAD v4.1: 382 of 1,543,684 alleles (0.025%); highest among the groups gnomAD compares: Non-Finnish European, 0.032%; no homozygotes.

Submissions (12):

PreventionGenetics, part of Exact Sciences
Classification: Uncertain significance for FH-related condition. Last evaluated: 2026-05-29. Review status: criteria provided, single submitter. Criteria: ACMG Guidelines, 2015. Collection method: clinical testing. Allele origin: germline.
Comment: The FH c.7C>G variant is predicted to result in the amino acid substitution p.Arg3Gly. In a large cohort study on the association between germline variants in fumarate hydratase (FH) and hereditary cancers such as leiomyomatosis, renal cell cancer (HLRCC), paraganglioma (PGL), and pheochromocytoma (PCC), this variant has been reported in an individual with PGL/PCC (Table 2, Zavoshi et al 2023. PMID: 36773955). Of note, this variant was also observed in patients without PGL/PCC, but at a lower frequency than in patients with PGL/PCC. This variant is reported in 0.019% of alleles in individuals of African descent in gnomAD. This variant has conflicting interpretations in ClinVar ranging from uncertain significance to likely benign (Variation ID: 214430). Although we suspect this variant may be benign, at this time, the clinical significance of this variant is uncertain due to the absence of conclusive functional and genetic evidence.

Labcorp Genetics (formerly Invitae), Labcorp
Classification: Likely benign. Last evaluated: 2026-01-27. Review status: criteria provided, single submitter. Criteria: Invitae Variant Classification Sherloc (09022015). Collection method: clinical testing. Allele origin: germline.

Center for Genomic Medicine, Rigshospitalet, Copenhagen University Hospital
Classification: Uncertain significance. Last evaluated: 2025-12-29. Review status: criteria provided, single submitter. Criteria: ACMG Guidelines, 2015. Collection method: clinical testing. Allele origin: germline.

Myriad Genetics, Inc.
Classification: Likely benign for Hereditary leiomyomatosis and renal cell cancer. Last evaluated: 2024-10-17. Review status: criteria provided, single submitter. Criteria: Myriad Autosomal Dominant, Autosomal Recessive and X-Linked Classification Criteria (2023). Collection method: clinical testing. Allele origin: unknown.
Comment: This variant is considered likely benign. This variant has been observed at a population frequency that is significantly greater than expected given the associated disease prevalence and penetrance.

Quest Diagnostics Nichols Institute San Juan Capistrano
Classification: Uncertain significance. Last evaluated: 2024-10-10. Review status: criteria provided, single submitter. Criteria: Quest Diagnostics criteria. Collection method: clinical testing. Allele origin: unknown.
Comment: The FH c.7C>G (p.Arg3Gly) variant has been reported in the published literature in an individual with paraganglioma/pheochromocytoma (PMID: 36773955 (2023)). The frequency of this variant in the general population, 0.00024 (10/42396 chromosomes in North-Western European subpopulation (Genome Aggregation Database)), is higher than would generally be expected for pathogenic variants in this gene. Analysis of this variant using bioinformatics tools for the prediction of the effect of amino acid changes on protein structure and function yielded predictions that this variant is benign. Additional analysis using software algorithms for the prediction of the effect of nucleotide changes on FH mRNA splicing yielded inconclusive findings. Based on the available information, we are unable to determine the clinical significance of this variant.

St. Jude Molecular Pathology, St. Jude Children's Research Hospital
Classification: Uncertain significance for Hereditary leiomyomatosis and renal cell cancer. Last evaluated: 2024-09-19. Review status: criteria provided, single submitter. Criteria: St. Jude Assertion Criteria 2020. Collection method: clinical testing. Allele origin: germline.
Comment: The FH c.7C>G (p.Arg3Gly) missense change has a maximum subpopulation frequency of 0.019% in gnomAD v2.1.1. The in silico tool REVEL is inconclusive about a pathogenic or benign effect of this variant on protein function, and to our knowledge functional studies have not been performed. To our knowledge, this variant has not been reported in individuals with hereditary leiomyomatosis and renal cell cancer (HLRCC). In summary, the evidence currently available is insufficient to determine the clinical significance of this variant. It has therefore been classified as of uncertain significance.

CeGaT Center for Human Genetics Tuebingen
Classification: Uncertain significance. Last evaluated: 2024-08-01. Review status: criteria provided, single submitter. Criteria: CeGaT Center For Human Genetics Tuebingen Variant Classification Criteria Version 2. Collection method: clinical testing. Allele origin: germline. Affected: yes. Observed: 1 variant allele.
Comment: FH: PM2

Baylor Genetics
Classification: Uncertain significance for Fumarase deficiency. Last evaluated: 2024-03-19. Review status: criteria provided, single submitter. Criteria: ACMG Guidelines, 2015. Collection method: clinical testing. Allele origin: unknown.

GeneDx
Classification: Uncertain significance. Last evaluated: 2023-02-07. Review status: criteria provided, single submitter. Criteria: GeneDx Variant Classification Process June 2021. Collection method: clinical testing. Allele origin: germline. Affected: yes.
Comment: In silico analysis supports that this missense variant does not alter protein structure/function; Has not been previously published as pathogenic or benign to our knowledge

Ambry Genetics
Classification: Likely benign for Hereditary cancer-predisposing syndrome. Last evaluated: 2020-09-18. Review status: criteria provided, single submitter. Criteria: Ambry Variant Classification Scheme 2023. Collection method: clinical testing. Allele origin: germline.

Genetic Services Laboratory, University of Chicago
Classification: Uncertain significance. Last evaluated: 2019-10-18. Review status: criteria provided, single submitter. Criteria: ACMG Guidelines, 2015. Collection method: clinical testing. Allele origin: germline. Affected: no.

Natera, Inc.
Classification: Uncertain significance for Fumarase deficiency. Last evaluated: 2020-09-16. Review status: no assertion criteria provided. Collection method: clinical testing. Allele origin: germline. Not counted in ClinVar's aggregate classification.

Literature cited by the submitters: PubMed 36773955 (cited by Center for Genomic Medicine, Rigshospitalet, Copenhagen University Hospital and Quest Diagnostics Nichols Institute San Juan Capistrano).

NM_000143.4(FH):c.7C>G (p.Arg3Gly)

Gene: FH (fumarate hydratase; minus strand). Cytogenetic location: 1q43.
Variant type: single nucleotide variant.
Coding change: c.7C>G on transcript NM_000143.4 (MANE Select); coding-DNA position 7, C replaced by G.
Protein change: p.Arg3Gly; replaces arginine 3 with glycine.
Molecular consequence: missense variant.
Genome position (GRCh38, 1-based): chr1:241,519,716, G>C on the plus strand (C>G on the coding strand, the complement: FH is on the minus strand). VCF-style: chr1-241519716-G-C. GRCh37 (hg19) VCF-style: chr1-241683016-G-C.
Other names: p.R3G:CGA>GGA; short protein forms R3G.
Identifiers: ClinVar variation 214430 (VCV000214430.58), dbSNP rs202166344, ClinGen allele CA319970.
Genomic context (GRCh38, chr1:241,519,716, plus strand): 5'-CTAAGGCTGCGGCTGGAGCCCGCACGAGGGGACGCGAGCGCGCGAGGAGCCGAAGTGCTC[G>C]GTACATGGTGCTGAGGGAGCTTGGGTAGAATTTCTGGGCGGCTGTGGCCACGCCTCCACG-3'
Protein context (NP_000134.2, residues 1-13): MY[Arg3Gly]ALRLLARSRP